The following is an entry in ClinVar:

NM_006015.6(ARID1A):c.5299_5301delinsCTT (p.Glu1767Leu)

Gene: ARID1A (AT-rich interaction domain 1A; plus strand). Cytogenetic location: 1p36.11.
Variant type: Indel.
Coding change: c.5299_5301delinsCTT on transcript NM_006015.6 (MANE Select); coding-DNA positions 5299 to 5301, GAA replaced by CTT.
Protein change: p.Glu1767Leu; replaces glutamic acid 1767 with leucine.
Molecular consequence: missense variant.
Genome position (GRCh38, 1-based): chr1:26,779,197-26,779,199, GAA replaced by CTT. VCF-style: chr1-26779197-GAA-CTT. GRCh37 (hg19) VCF-style: chr1-27105688-GAA-CTT.
Other names: c.4648_4650delinsCTT, p.Glu1550Leu (NM_139135.4); short protein forms E1550L, E1767L.
Identifiers: ClinVar variation 1805024 (VCV001805024.4), dbSNP rs2522035227, ClinGen allele CA1139771214.
Genomic context (GRCh38, chr1:26,779,197, plus strand): 5'-CCTGGGAGGTTCAGCAAGGTGTCTAGTCCAGCTCCCATGGAGGGTGGGGAAGAAGAAGAA[GAA>CTT]CTTCTAGGTCCTAAACTAGAAGAGGAAGAAGAAGAGGAAGTAGTTGAAAATGATGAGGAG-3'
Protein context (NP_006006.3, residues 1757-1777): APMEGGEEEE[Glu1767Leu]LLGPKLEEEE

ClinVar aggregate classification (germline): Benign/Likely benign. Review status: criteria provided, multiple submitters, no conflicts (2 of 4 stars). 2 submissions from 2 submitters: Benign (1); Likely benign (1). Last evaluated 2024-10-15.

Conditions:
Intellectual disability, autosomal dominant 14 (CSS2). Also called: COFFIN-SIRIS SYNDROME 2. Identifiers: Orphanet 1465, MedGen C3553247, MONDO:0013819, OMIM 614607.

Submissions (2):

Labcorp Genetics (formerly Invitae), Labcorp
Classification: Benign. Last evaluated: 2024-10-15. Review status: criteria provided, single submitter. Criteria: Invitae Variant Classification Sherloc (09022015). Collection method: clinical testing. Allele origin: germline.

Victorian Clinical Genetics Services, Murdoch Childrens Research Institute
Classification: Likely benign for Intellectual disability, autosomal dominant 14. Last evaluated: 2021-05-06. Review status: criteria provided, single submitter. Criteria: ACMG Guidelines, 2015. Collection method: clinical testing. Allele origin: germline. Inheritance: Autosomal dominant inheritance.
Comment: Based on the classification scheme VCGS_Germline_v1.3.4, this variant is classified as Likely Benign. Following criteria are met: 0102 - Loss of function is a known mechanism of disease in this gene and is associated with Coffin-Siris syndrome 2 (MIM#614607). (I) 0107 - This gene is associated with autosomal dominant disease. (I) 0200 - Variant is predicted to result in a missense amino acid change from glutamic acid to leucine. (I) 0251 - This variant is heterozygous. (I) 0302 - Variant is present in gnomAD (v3) <0.001 for a dominant condition (3 heterozygotes, 0 homozygotes). (SP) 0309 - An inframe deletion of the same amino acid has been observed in gnomAD (v2) (33 heterozygotes, 0 homozygotes). (I) 0503 - Missense variant consistently predicted to be tolerated by multiple in silico tools or not conserved in placental mammals with a minor amino acid change. (SB) 0604 - Variant is not located in an established domain, motif, hotspot or informative constraint region. (I) 0705 - No comparable missense variants have previous evidence for pathogenicity. (I) 0807 - This variant has no previous evidence of pathogenicity. (I) 0905 - No published segregation evidence has been identified for this variant. (I) 1007 - No published functional evidence has been identified for this variant. (I) 1208 - Inheritance information for this variant is not currently available in this individual. (I) Legend: (SP) - Supporting pathogenic, (I) - Information, (SB) - Supporting benign